The following is an entry in ClinVar:

NM_152564.5(VPS13B):c.6184A>C (p.Asn2062His)

Gene: VPS13B (vacuolar protein sorting 13 homolog B; plus strand). Cytogenetic location: 8q22.2.
Variant type: single nucleotide variant.
Coding change: c.6184A>C on transcript NM_152564.5 (MANE Select); coding-DNA position 6184, A replaced by C.
Protein change: p.Asn2062His; replaces asparagine 2062 with histidine.
Molecular consequence: missense variant.
Genome position (GRCh38, 1-based): chr8:99,699,662, A>C. VCF-style: chr8-99699662-A-C. GRCh37 (hg19) VCF-style: chr8-100711890-A-C.
Other names: c.6259A>C, p.Asn2087His (NM_017890.5); short protein forms N2062H, N2087H.
Identifiers: ClinVar variation 4979652 (VCV004979652.1).

ClinVar aggregate classification (germline): Uncertain significance (1 of 4 stars; one submission).

Conditions:
VPS13B-related disorder. Also called: VPS13B-related condition.

Submission:

PreventionGenetics, part of Exact Sciences
Classification: Uncertain significance for VPS13B-related condition. Last evaluated: 2026-01-27. Review status: criteria provided, single submitter. Criteria: ACMG Guidelines, 2015. Collection method: clinical testing. Allele origin: germline.
Comment: The VPS13B c.6184A>C variant is predicted to result in the amino acid substitution p.Asn2062His. To our knowledge, this variant has not been reported in the literature or in a large population database (gnomAD), indicating this variant is rare. At this time, the clinical significance of this variant is uncertain due to the absence of conclusive functional and genetic evidence.